The following is an entry in ClinVar:

ClinVar aggregate classification (germline): Likely pathogenic (1 of 4 stars; one submission).

Submission:

GeneDx
Classification: Likely pathogenic. Last evaluated: 2025-12-29. Review status: criteria provided, single submitter. Criteria: GeneDx Variant Classification Process June 2021. Collection method: clinical testing. Allele origin: germline. Affected: yes.
Comment: Not observed at significant frequency in large population cohorts (gnomAD); In silico analysis supports that this missense variant has a deleterious effect on protein structure/function; Has not been previously published as pathogenic or benign to our knowledge

NM_001348323.3(TRIP12):c.3569C>T (p.Pro1190Leu)

Gene: TRIP12 (thyroid hormone receptor interactor 12; minus strand). Cytogenetic location: 2q36.3.
Variant type: single nucleotide variant.
Coding change: c.3569C>T on transcript NM_001348323.3 (MANE Select); coding-DNA position 3569, C replaced by T.
Protein change: p.Pro1190Leu; replaces proline 1190 with leucine.
Molecular consequence: missense variant.
Genome position (GRCh38, 1-based): chr2:229,797,745, G>A on the plus strand (C>T on the coding strand, the complement: TRIP12 is on the minus strand). VCF-style: chr2-229797745-G-A. GRCh37 (hg19) VCF-style: chr2-230662461-G-A.
Other names: c.3488C>T, p.Pro1163Leu (NM_001284214.2, NM_001348315.2); c.3443C>T, p.Pro1148Leu (NM_001284215.2, NM_001348316.2, NM_001348317.1 and 1 more transcripts); c.2534C>T, p.Pro845Leu (NM_001284216.2); c.3569C>T, p.Pro1190Leu (NM_001348319.1, NM_001348320.2, NM_001348322.1 and 4 more transcripts); c.3572C>T, p.Pro1191Leu (NM_001348321.1, NM_001348328.1, NM_001348329.2 and 1 more transcripts); c.3362C>T, p.Pro1121Leu (NM_001348331.1); c.3482C>T, p.Pro1161Leu (NM_001348332.1); c.3491C>T, p.Pro1164Leu (NM_001348333.1); and 1 more; short protein forms P1115L, P1121L, P1148L, P1161L, P1163L, P1164L, P1190L, P1191L.
Identifiers: ClinVar variation 1312965 (VCV001312965.3), dbSNP rs2154265222, ClinGen allele CA350906638.